The following is an entry in ClinVar:

NM_000426.4(LAMA2):c.4311+8T>C

Gene: LAMA2 (laminin subunit alpha 2; plus strand). Cytogenetic location: 6q22.33.
Variant type: single nucleotide variant.
Coding change: c.4311+8T>C on transcript NM_000426.4 (MANE Select); 8 bases into the intron after coding-DNA position 4311, T replaced by C.
Molecular consequence: intron variant.
Genome position (GRCh38, 1-based): chr6:129,328,420, T>C. VCF-style: chr6-129328420-T-C. GRCh37 (hg19) VCF-style: chr6-129649565-T-C.
Other names: p.?; c.4311+8T>C (NM_001079823.2, NM_000426.3).
Identifiers: ClinVar variation 1535205 (VCV001535205.9), dbSNP rs752427126, ClinGen allele CA146890415.

ClinVar aggregate classification (germline): Likely benign. Review status: criteria provided, multiple submitters, no conflicts (2 of 4 stars). 2 submissions from 2 submitters: Likely benign (2). Last evaluated 2024-12-20.

Conditions:
LAMA2-related muscular dystrophy (LAMA2-RD). Also called: Laminin alpha 2-related dystrophy. Identifiers: MedGen C5679788, MONDO:0100228.

gnomAD v4.1: 3 of 1,614,142 alleles (0.00019%); highest among the groups gnomAD compares: African/African-American, 0.0027%; no homozygotes.

Submissions (2):

Mayo Clinic Laboratories, Mayo Clinic
Classification: Likely benign. Last evaluated: 2024-12-20. Review status: criteria provided, single submitter. Criteria: ACMG Guidelines, 2015. Collection method: clinical testing. Allele origin: germline. Observed: 1 variant allele.
Comment: BP4, BP7

Labcorp Genetics (formerly Invitae), Labcorp
Classification: Likely benign for LAMA2-related muscular dystrophy. Last evaluated: 2023-11-17. Review status: criteria provided, single submitter. Criteria: Invitae Variant Classification Sherloc (09022015). Collection method: clinical testing. Allele origin: germline.